The following is an entry in ClinVar:

ClinVar aggregate classification (germline): Conflicting classifications of pathogenicity. Review status: criteria provided, conflicting classifications (1 of 4 stars). 2 submissions from 2 submitters: Uncertain significance (1); Benign (1). Last evaluated 2024-06-04.

Conditions:
Periventricular nodular heterotopia 7 (PVNH7). Identifiers: MedGen C4310669, MONDO:0014966, OMIM 617201.

Allele frequency attached by ClinVar (database versions not stated): gnomAD exomes below 0.00001 and 0.00002.
gnomAD v4.1: 31 of 1,613,238 alleles (0.0019%); highest among the groups gnomAD compares: Non-Finnish European, 0.0026%; no homozygotes.

Submissions (2):

Labcorp Genetics (formerly Invitae), Labcorp
Classification: Benign. Last evaluated: 2024-06-04. Review status: criteria provided, single submitter. Criteria: Invitae Variant Classification Sherloc (09022015). Collection method: clinical testing. Allele origin: germline.

New York Genome Center
Classification: Uncertain significance for Periventricular nodular heterotopia 7. Last evaluated: 2020-06-26. Review status: criteria provided, single submitter. Criteria: NYGC Assertion Criteria 2020. Collection method: clinical testing. Allele origin: inherited. Observed: 1 heterozygote. Study: CSER-NYCKidSeq.
Comment: The inherited heterozygous p.Glu630Gln missense variant in the NEDD4L gene is absent from the gnomAD(v3) database indicating it is an extremely rare allele in the general population. The variant affects an evolutionarily conserved residue and is predicted deleterious by multiple in silico prediction tools. Functional studies to evaluate the potential pathogenicity of this variant have not been reported. Based on the available evidence, the inherited heterozygous p.Glu630Gln missense variant identified in the NEDD4L gene is assessed as a variant of uncertain significance.

NM_001144967.3(NEDD4L):c.1888G>C (p.Glu630Gln)

Gene: NEDD4L (NEDD4 like E3 ubiquitin protein ligase; plus strand). Cytogenetic location: 18q21.31.
Variant type: single nucleotide variant.
Coding change: c.1888G>C on transcript NM_001144967.3 (MANE Select); coding-DNA position 1888, G replaced by C.
Protein change: p.Glu630Gln; replaces glutamic acid 630 with glutamine.
Molecular consequence: missense variant.
Genome position (GRCh38, 1-based): chr18:58,366,053, G>C. VCF-style: chr18-58366053-G-C. GRCh37 (hg19) VCF-style: chr18-56033285-G-C.
Other names: c.1525G>C, p.Glu509Gln (NM_001144964.1, NM_001144965.2, NM_001144966.3); c.1864G>C, p.Glu622Gln (NM_001144968.2); c.1804G>C, p.Glu602Gln (NM_001144969.2); c.1465G>C, p.Glu489Gln (NM_001144970.3, NM_001144971.2); c.1696G>C, p.Glu566Gln (NM_001243960.2); c.1828G>C, p.Glu610Gln (NM_015277.6); short protein forms E489Q, E509Q, E566Q, E602Q, E610Q, E622Q, E630Q.
Identifiers: ClinVar variation 1098657 (VCV001098657.3), dbSNP rs763159512, ClinGen allele CA300890022.
Genomic context (GRCh38, chr18:58,366,053, plus strand): 5'-GTGTAGGCTGATATCCCCAATAGGTTTGAAATGAAACTTCACAGAAATAACATATTTGAA[G>C]AGTCCTATCGGAGAATTATGTCCGTGAAAAGACCAGATGTCCTAAAAGCTAGACTGTGGA-3'
Protein context (NP_001138439.1, residues 620-640): MKLHRNNIFE[Glu630Gln]SYRRIMSVKR